The following is an entry in ClinVar:

NM_014946.4(SPAST):c.1173+1G>A

Gene: SPAST (spastin; plus strand). Cytogenetic location: 2p22.3.
Variant type: single nucleotide variant.
Coding change: c.1173+1G>A on transcript NM_014946.4 (MANE Select); the canonical splice donor site of the intron after coding-DNA position 1173, G replaced by A.
Molecular consequence: splice donor variant.
Genome position (GRCh38, 1-based): chr2:32,127,023, G>A. VCF-style: chr2-32127023-G-A. GRCh37 (hg19) VCF-style: chr2-32352092-G-A.
Other names: c.1077+1G>A (NM_199436.2, NM_001377959.1); c.1170+1G>A (NM_001363823.2); c.1074+1G>A (NM_001363875.2).
Identifiers: ClinVar variation 409030 (VCV000409030.12), dbSNP rs1060502226, ClinGen allele CA16610827.

ClinVar aggregate classification (germline): Pathogenic/Likely pathogenic. Review status: criteria provided, multiple submitters, no conflicts (2 of 4 stars). 3 submissions from 3 submitters: Pathogenic (2); Likely pathogenic (1). Last evaluated 2024-07-30.

Conditions:
Hereditary spastic paraplegia 4. Also called: Spastic paraplegia 4, autosomal dominant; Familial spastic paraplegia autosomal dominant 2; Spastic Paraplegia 4. Identifiers: Orphanet 100985, MedGen C1866855, MONDO:0008438, OMIM 182601.

Submissions (3):

Labcorp Genetics (formerly Invitae), Labcorp
Classification: Pathogenic for Hereditary spastic paraplegia 4. Last evaluated: 2024-07-30. Review status: criteria provided, single submitter. Criteria: Invitae Variant Classification Sherloc (09022015). Collection method: clinical testing. Allele origin: germline.
Comment: This sequence change affects a donor splice site in intron 8 of the SPAST gene. It is expected to disrupt RNA splicing. Variants that disrupt the donor or acceptor splice site typically lead to a loss of protein function (PMID: 16199547), and loss-of-function variants in SPAST are known to be pathogenic (PMID: 20932283). This variant is not present in population databases (gnomAD no frequency). Disruption of this splice site has been observed in individuals with autosomal dominant hereditary spastic paraplegia (PMID: 10699187, 11015453). ClinVar contains an entry for this variant (Variation ID: 409030). Algorithms developed to predict the effect of sequence changes on RNA splicing suggest that this variant may disrupt the consensus splice site. For these reasons, this variant has been classified as Pathogenic.

Institute of Medical Genetics and Applied Genomics, University Hospital Tübingen
Classification: Likely pathogenic. Last evaluated: 2020-10-23. Review status: criteria provided, single submitter. Criteria: ACMG Guidelines, 2015. Collection method: clinical testing. Allele origin: germline. Inheritance: Unknown mechanism. Affected: yes.

Athena Diagnostics
Classification: Pathogenic. Last evaluated: 2018-10-30. Review status: criteria provided, single submitter. Criteria: Athena Diagnostics Criteria. Collection method: clinical testing. Allele origin: germline.
Comment: The variant disrupts a canonical splice site, and is therefore predicted to significantly disrupt the protein structure. Found in at least one symptomatic patient, and not found in general population data.

Literature cited by the submitters: PubMed 16199547 (cited by Labcorp Genetics (formerly Invitae), Labcorp); PubMed 20932283 (cited by Labcorp Genetics (formerly Invitae), Labcorp); PubMed 10699187 (cited by Labcorp Genetics (formerly Invitae), Labcorp and Athena Diagnostics); PubMed 11015453 (cited by Labcorp Genetics (formerly Invitae), Labcorp); PubMed 25525159 (cited by Athena Diagnostics).